The following is an entry in ClinVar:

NM_000540.3(RYR1):c.11813G>A (p.Gly3938Asp)

Gene: RYR1 (ryanodine receptor 1; plus strand). Cytogenetic location: 19q13.2.
Variant type: single nucleotide variant.
Coding change: c.11813G>A on transcript NM_000540.3 (MANE Select); coding-DNA position 11813, G replaced by A.
Protein change: p.Gly3938Asp; replaces glycine 3938 with aspartic acid.
Molecular consequence: missense variant.
Genome position (GRCh38, 1-based): chr19:38,543,566, G>A. VCF-style: chr19-38543566-G-A. GRCh37 (hg19) VCF-style: chr19-39034206-G-A.
Other names: c.11798G>A, p.Gly3933Asp (NM_001042723.2); short protein forms G3938D, G3933D.
Identifiers: ClinVar variation 933345 (VCV000933345.16), dbSNP rs1972296024, ClinGen allele CA080431.

ClinVar aggregate classification (germline): Uncertain significance. Review status: reviewed by expert panel (3 of 4 stars). 4 submissions from 4 submitters: Uncertain significance (1). 3 of the submissions do not count toward it. Last evaluated 2025-08-01.

Conditions:
RYR1-related disorder. Also called: RYR1-related disorders; RYR1-related condition. Identifiers: MedGen CN239331.
Malignant hyperthermia, susceptibility to, 1 (MHS1). Also called: Anesthesia related hyperthermia; Malignant hyperpyrexia; Fulminating hyperpyrexia; Pharmacogenic myopathy; Malignant hyperthermia suceptibility 1; RYR1-Related Malignant Hyperthermia Susceptibility. Identifiers: Orphanet 423, MedGen C2930980, MONDO:0007783, OMIM 145600.

Submissions (4):

ClinGen Malignant Hyperthermia Susceptibility Variant Curation Expert Panel, ClinGen
Classification: Uncertain significance for Malignant hyperthermia, susceptibility to, 1. Last evaluated: 2025-08-01. Review status: reviewed by expert panel. Criteria: ClinGen MHS ACMG Specifications V2. Collection method: curation. Allele origin: germline. Inheritance: Autosomal dominant inheritance.
Comment: This pathogenicity assessment is relevant only for malignant hyperthermia susceptibility (MHS) inherited in an autosomal dominant pattern. Variants in RYR1 can also cause other myopathies inherited in an autosomal dominant pattern or in an autosomal recessive pattern. Some of these disorders may predispose individuals to malignant hyperthermia. RYR1 variants may also contribute to a malignant hyperthermia reaction in combination with other genetic and non-genetic factors and the clinician needs to consider such factors in making management decisions. This sequence variant predicts a substitution of glycine with aspartic acid at codon 3938 of the RYR1 protein, p.(Gly3938Asp). This variant was not present in a large population database (gnomAD) at the time this variant was interpreted. However, a second variant classified as a variant of uncertain significance, p.(Arg2126Gln), was also identified in the proband, PS4 was not implemented (PMID:21455645). No functional studies were identified for this variant. This variant does not reside in a hotspot for pathogenic variants that contribute to MHS. A REVEL score of 0.799 supports neither a pathogenic nor a benign status for this variant. This variant has been classified as a Variant of Unknown Significance. No criteria were implemented.

Labcorp Genetics (formerly Invitae), Labcorp
Classification: Uncertain significance for RYR1-related disorder. Last evaluated: 2025-05-26. Review status: criteria provided, single submitter. Criteria: Invitae Variant Classification Sherloc (09022015). Collection method: clinical testing. Allele origin: germline. Not counted in ClinVar's aggregate classification.
Comment: This sequence change replaces glycine, which is neutral and non-polar, with aspartic acid, which is acidic and polar, at codon 3938 of the RYR1 protein (p.Gly3938Asp). This variant is not present in population databases (gnomAD no frequency). This missense change has been observed in individual(s) with autosomal recessive RYR1-related conditions (PMID: 21455645, 21911697, 35428369). ClinVar contains an entry for this variant (Variation ID: 933345). Invitae Evidence Modeling of protein sequence and biophysical properties (such as structural, functional, and spatial information, amino acid conservation, physicochemical variation, residue mobility, and thermodynamic stability) has been performed for this missense variant. However, the output from this modeling did not meet the statistical confidence thresholds required to predict the impact of this variant on RYR1 protein function. In summary, the available evidence is currently insufficient to determine the role of this variant in disease. Therefore, it has been classified as a Variant of Uncertain Significance.

GeneDx
Classification: Uncertain significance. Last evaluated: 2021-03-08. Review status: criteria provided, single submitter. Criteria: GeneDx Variant Classification Process June 2021. Collection method: clinical testing. Allele origin: germline. Affected: yes. Not counted in ClinVar's aggregate classification.
Comment: In silico analysis, which includes protein predictors and evolutionary conservation, supports a deleterious effect; Not observed in large population cohorts (Lek et al., 2016); This variant is associated with the following publications: (PMID: 21455645, 21911697)

Revvity Omics, Revvity
Classification: Uncertain significance. Last evaluated: 2019-05-17. Review status: criteria provided, single submitter. Criteria: ACMG Guidelines, 2015. Collection method: clinical testing. Allele origin: germline. Not counted in ClinVar's aggregate classification.

Literature cited by the submitters: PubMed 21455645 (cited by Labcorp Genetics (formerly Invitae), Labcorp); PubMed 21911697 (cited by Labcorp Genetics (formerly Invitae), Labcorp); PubMed 35428369 (cited by Labcorp Genetics (formerly Invitae), Labcorp).